The following is an entry in ClinVar:

NM_020750.3(XPO5):c.2494G>A (p.Val832Ile)

Genes: XPO5 (exportin 5; minus strand), POLR1C (RNA polymerase I and III subunit C; plus strand). Cytogenetic location: 6p21.1.
Variant type: single nucleotide variant.
Coding change: c.2494G>A on transcript NM_020750.3 (MANE Select); coding-DNA position 2494, G replaced by A.
Protein change: p.Val832Ile; replaces valine 832 with isoleucine.
Molecular consequence: missense variant. On other transcripts: non-coding transcript variant (1), intron variant (1).
Genome position (GRCh38, 1-based): chr6:43,531,525, C>T on the plus strand (G>A on the coding strand, the complement: XPO5 is on the minus strand). VCF-style: chr6-43531525-C-T. GRCh37 (hg19) VCF-style: chr6-43499263-C-T.
Other names: c.922+10477C>T (NM_001363658.2); short protein forms V832I.
Identifiers: ClinVar variation 1539846 (VCV001539846.10), dbSNP rs377196219, ClinGen allele CA3826122.

ClinVar aggregate classification (germline): Benign. Review status: criteria provided, single submitter (1 of 4 stars). 2 submissions from 2 submitters: Benign (1). 1 of the submissions does not count toward it. Last evaluated 2025-12-14.

Conditions:
XPO5-related disorder. Also called: XPO5-related condition.

Allele frequency attached by ClinVar (database versions not stated): gnomAD 0.00006 and 0.00050; gnomAD exomes 0.00219 and 0.00102; ESP Exome Variant Server 0.00008; 1000 Genomes Project 30x 0.00328; 1000 Genomes Project 0.00359; TOPMed 0.00015; ExAC 0.00240.
gnomAD v4.1: 1,568 of 1,613,914 alleles (0.097%); highest among the groups gnomAD compares: South Asian, 1.6%; 30 homozygotes.

Submissions (2):

Labcorp Genetics (formerly Invitae), Labcorp
Classification: Benign. Last evaluated: 2025-12-14. Review status: criteria provided, single submitter. Criteria: Invitae Variant Classification Sherloc (09022015). Collection method: clinical testing. Allele origin: germline.

PreventionGenetics, part of Exact Sciences
Classification: Benign for XPO5-related condition. Last evaluated: 2019-07-01. Review status: no assertion criteria provided. Collection method: clinical testing. Allele origin: germline. Not counted in ClinVar's aggregate classification.
Comment: This variant is classified as benign based on ACMG/AMP sequence variant interpretation guidelines (Richards et al. 2015 PMID: 25741868, with internal and published modifications).